The following is an entry in ClinVar:

NM_022124.6(CDH23):c.6649A>G (p.Lys2217Glu)

Gene: CDH23 (cadherin related 23; plus strand). Cytogenetic location: 10q22.1.
Variant type: single nucleotide variant.
Coding change: c.6649A>G on transcript NM_022124.6 (MANE Select); coding-DNA position 6649, A replaced by G.
Protein change: p.Lys2217Glu; replaces lysine 2217 with glutamic acid.
Molecular consequence: missense variant.
Genome position (GRCh38, 1-based): chr10:71,793,577, A>G. VCF-style: chr10-71793577-A-G. GRCh37 (hg19) VCF-style: chr10-73553334-A-G.
Other names: short protein forms K2217E.
Identifiers: ClinVar variation 879648 (VCV000879648.7), dbSNP rs761674470, ClinGen allele CA5546139.

ClinVar aggregate classification (germline): Uncertain significance. Review status: criteria provided, multiple submitters, no conflicts (2 of 4 stars). 4 submissions from 3 submitters: Uncertain significance (4). Last evaluated 2024-05-09.

Conditions:
Usher syndrome type 1D (USH1D). Also called: USHER SYNDROME, TYPE ID. Identifiers: Orphanet 231169, Orphanet 886, MedGen C1832845, MONDO:0010984, OMIM 601067.
Autosomal recessive nonsyndromic hearing loss 12. Also called: DEAFNESS, AUTOSOMAL RECESSIVE 12. Identifiers: Orphanet 90636, MedGen C1832394, MONDO:0011067, OMIM 601386.
Pituitary adenoma 5, multiple types. Identifiers: MedGen C4539685, MONDO:0054601, OMIM 617540.

Allele frequency attached by ClinVar (database versions not stated): gnomAD exomes below 0.00001; ExAC 0.00001.
gnomAD v4.1: 4 of 1,612,618 alleles (0.00025%); highest among the groups gnomAD compares: East Asian, 0.0045%; no homozygotes.

Submissions (4):

Women's Health and Genetics/Laboratory Corporation of America, LabCorp
Classification: Uncertain significance. Last evaluated: 2024-05-09. Review status: criteria provided, single submitter. Criteria: LabCorp Variant Classification Summary - May 2015. Collection method: clinical testing. Allele origin: germline.
Comment: Variant summary: CDH23 c.6649A>G (p.Lys2217Glu) results in a conservative amino acid change in the encoded protein sequence. Three of five in-silico tools predict a benign effect of the variant on protein function. The variant allele was found at a frequency of 8.1e-06 in 247998 control chromosomes. The available data on variant occurrences in the general population are insufficient to allow any conclusion about variant significance. c.6649A>G has been reported in the literature in individuals affected with non-syndromic deafness with prelingual/childhood onset as a compound heterozygous genotype with second variant of unclassified pathogenicity (e.g. Liang_2021) or as an unknown genotype without reported second variant (e.g. Ma_2023). These reports do not provide unequivocal conclusions about association of the variant with Usher Syndrome. To our knowledge, no experimental evidence demonstrating an impact on protein function has been reported. The following publications have been ascertained in the context of this evaluation (PMID: 34265623, 36597107). ClinVar contains an entry for this variant (Variation ID: 879648). Based on the evidence outlined above, the variant was classified as uncertain significance.

Illumina Laboratory Services, Illumina
Classification: Uncertain significance for Usher syndrome type 1D. Last evaluated: 2018-01-12. Review status: criteria provided, single submitter. Criteria: ICSL Variant Classification Criteria 13 December 2019. Collection method: clinical testing. Allele origin: germline.

Illumina Laboratory Services, Illumina
Classification: Uncertain significance for Autosomal recessive nonsyndromic hearing loss 12. Last evaluated: 2018-01-12. Review status: criteria provided, single submitter. Criteria: ICSL Variant Classification Criteria 13 December 2019. Collection method: clinical testing. Allele origin: germline.

Juno Genomics, Hangzhou Juno Genomics, Inc
Classification: Uncertain significance for Usher syndrome type 1D; Pituitary adenoma 5, multiple types; Autosomal recessive nonsyndromic hearing loss 12. Review status: criteria provided, single submitter. Criteria: ACMG Guidelines, 2015. Collection method: clinical testing. Allele origin: germline.
Comment: Absent from controls (or at extremely low frequency if recessive) in Genome Aggregation Database.;Multiple lines of computational evidence suggest no impact on gene or gene product.;Co-segregation with disease in multiple affected family members.;For recessive disorders, detected in trans with a pathogenic variant.

Literature cited by the submitters: PubMed 34265623 (cited by Women's Health and Genetics/Laboratory Corporation of America, LabCorp); PubMed 36597107 (cited by Women's Health and Genetics/Laboratory Corporation of America, LabCorp).